The following is an entry in ClinVar:

ClinVar aggregate classification (germline): Pathogenic (1 of 4 stars; one submission).

Conditions:
Gorlin syndrome. Also called: Nevoid Basal Cell Carcinoma Syndrome; Basal cell nevus syndrome. Identifiers: Orphanet 377, MedGen C0004779, MONDO:0007187.

Submission:

Labcorp Genetics (formerly Invitae), Labcorp
Classification: Pathogenic for Gorlin syndrome. Last evaluated: 2024-01-18. Review status: criteria provided, single submitter. Criteria: Invitae Variant Classification Sherloc (09022015). Collection method: clinical testing. Allele origin: germline.
Comment: This sequence change creates a premature translational stop signal (p.Trp337*) in the PTCH1 gene. It is expected to result in an absent or disrupted protein product. Loss-of-function variants in PTCH1 are known to be pathogenic (PMID: 16301862, 16419085). This variant is not present in population databases (gnomAD no frequency). This premature translational stop signal has been observed in individual(s) with basal cell nevus syndrome (PMID: 28733979). For these reasons, this variant has been classified as Pathogenic.

Literature cited by the submitters: PubMed 16301862; PubMed 16419085; PubMed 28733979.

NM_000264.5(PTCH1):c.1007_1010dup (p.Trp337Ter)

Gene: PTCH1 (patched 1; minus strand). Cytogenetic location: 9q22.32.
Variant type: Duplication.
Coding change: c.1007_1010dup on transcript NM_000264.5 (MANE Select); coding-DNA positions 1007 to 1010, 4 bases duplicated (ACTG; older notation c.1007_1010dupACTG).
Protein change: p.Trp337Ter; replaces tryptophan 337 with a stop codon.
Molecular consequence: nonsense. On other transcripts: non-coding transcript variant (1).
Genome position (GRCh38, 1-based): chr9:95,480,026-95,480,029, CAGT duplicated on the plus strand (ACTG on the coding strand, the reverse complement: PTCH1 is on the minus strand). VCF-style (leftmost placement, unchanged base first): chr9-95480025-C-CCAGT. GRCh37 (hg19) VCF-style: chr9-98242307-C-CCAGT.
Other names: c.809_812dup, p.Trp271Ter (NM_001083602.3); c.1004_1007dup, p.Trp336Ter (NM_001083603.3); c.554_557dup, p.Trp186Ter (NM_001083604.3, NM_001083605.3, NM_001083606.3 and 1 more transcripts); c.1007_1010dup, p.Trp337Ter (NM_001354918.2); short protein forms W336*, W271*, W337*, W186*.
Identifiers: ClinVar variation 2710070 (VCV002710070.3), dbSNP rs2538225516, ClinGen allele CA2697557865.
Genomic context (GRCh38, chr9:95,480,025, plus strand): 5'-TTACCTGACGAGTTTTCCAGTGCTGTTCTTGACTGTGCCACCCACAATCAACTCCTCCTG[C>CCAGT]CAGTGCATATACTTTCTGGATAAGCCATGACATCCACCATTCAAAACAAGGGCCATATCA-3'